The following is an entry in ClinVar:

NM_004237.4(TRIP13):c.205A>G (p.Asn69Asp)

Gene: TRIP13 (thyroid hormone receptor interactor 13; plus strand). Cytogenetic location: 5p15.33.
Variant type: single nucleotide variant.
Coding change: c.205A>G on transcript NM_004237.4 (MANE Select); coding-DNA position 205, A replaced by G.
Protein change: p.Asn69Asp; replaces asparagine 69 with aspartic acid.
Molecular consequence: missense variant.
Genome position (GRCh38, 1-based): chr5:894,899, A>G. VCF-style: chr5-894899-A-G. GRCh37 (hg19) VCF-style: chr5-895014-A-G.
Other names: c.205A>G, p.Asn69Asp (NM_001166260.2); short protein forms N69D.
Identifiers: ClinVar variation 3654221 (VCV003654221.2).

ClinVar aggregate classification (germline): Uncertain significance (1 of 4 stars; one submission).

Submission:

Labcorp Genetics (formerly Invitae), Labcorp
Classification: Uncertain significance. Last evaluated: 2024-07-15. Review status: criteria provided, single submitter. Criteria: Invitae Variant Classification Sherloc (09022015). Collection method: clinical testing. Allele origin: germline.
Comment: This sequence change replaces asparagine, which is neutral and polar, with aspartic acid, which is acidic and polar, at codon 69 of the TRIP13 protein (p.Asn69Asp). This variant is not present in population databases (gnomAD no frequency). This variant has not been reported in the literature in individuals affected with TRIP13-related conditions. An algorithm developed to predict the effect of missense changes on protein structure and function (PolyPhen-2) suggests that this variant is likely to be tolerated. In summary, the available evidence is currently insufficient to determine the role of this variant in disease. Therefore, it has been classified as a Variant of Uncertain Significance.